The following is an entry in ClinVar:

NM_032188.3(KAT8):c.632A>G (p.Glu211Gly)

Gene: KAT8 (lysine acetyltransferase 8; plus strand). Cytogenetic location: 16p11.2.
Variant type: single nucleotide variant.
Coding change: c.632A>G on transcript NM_032188.3 (MANE Select); coding-DNA position 632, A replaced by G.
Protein change: p.Glu211Gly; replaces glutamic acid 211 with glycine.
Molecular consequence: missense variant.
Genome position (GRCh38, 1-based): chr16:31,127,304, A>G. VCF-style: chr16-31127304-A-G. GRCh37 (hg19) VCF-style: chr16-31138625-A-G.
Other names: c.632A>G, p.Glu211Gly (NM_182958.4); short protein forms E211G.
Identifiers: ClinVar variation 5005575 (VCV005005575.2).

ClinVar aggregate classification (germline): Uncertain significance (1 of 4 stars; one submission).

Conditions:
Li-Ghorbani-Weisz-Hubshman syndrome. Identifiers: MedGen C5436525, MONDO:0033547, OMIM 618974.

Submission:

Juno Genomics, Hangzhou Juno Genomics, Inc
Classification: Uncertain significance for Li-Ghorbani-Weisz-Hubshman syndrome. Review status: criteria provided, single submitter. Criteria: ACMG Guidelines, 2015. Collection method: clinical testing. Allele origin: germline.
Comment: Absent from controls (or at extremely low frequency if recessive) in Genome Aggregation Database.;Multiple lines of computational evidence support a deleterious effect on the gene or gene product.